The following is an entry in ClinVar:

NM_000059.4(BRCA2):c.51dup (p.Arg18fs)

Gene: BRCA2 (BRCA2 DNA repair associated; plus strand). Cytogenetic location: 13q13.1.
Variant type: Duplication.
Coding change: c.51dup on transcript NM_000059.4 (MANE Select); coding-DNA position 51, one base duplicated (A; older notation c.51dupA).
Protein change: p.Arg18fs; shifts the reading frame from arginine 18.
Molecular consequence: frameshift variant.
Genome position (GRCh38, 1-based): chr13:32,316,511, A duplicated. VCF-style (leftmost placement, unchanged base first): chr13-32316510-C-CA. GRCh37 (hg19) VCF-style: chr13-32890647-C-CA.
Other names: 279insA; c.51dupA (NM_000059.3); short protein forms R18fs.
Identifiers: ClinVar variation 51815 (VCV000051815.7), dbSNP rs397507772, ClinGen allele CA021397.

ClinVar aggregate classification (germline): Pathogenic. Review status: reviewed by expert panel (3 of 4 stars). 2 submissions from 2 submitters: Pathogenic (1). 1 of the submissions does not count toward it. Last evaluated 2016-10-18.

Conditions:
Breast-ovarian cancer, familial, susceptibility to, 2 (BROVCA2). Also called: BRCA2 Hereditary Breast and Ovarian Cancer. Identifiers: Orphanet 145, MedGen C2675520, MONDO:0012933, OMIM 612555. Disease mechanism: loss of function.

Submissions (2):

Evidence-based Network for the Interpretation of Germline Mutant Alleles (ENIGMA)
Classification: Pathogenic for Breast-ovarian cancer, familial, susceptibility to, 2. Last evaluated: 2016-10-18. Review status: reviewed by expert panel. Criteria: ENIGMA BRCA1/2 Classification Criteria (2015). Collection method: curation. Allele origin: germline.
Comment: Variant allele predicted to encode a truncated non-functional protein.

Consortium of Investigators of Modifiers of BRCA1/2 (CIMBA), c/o University of Cambridge
Classification: Pathogenic for Breast-ovarian cancer, familial, susceptibility to, 2. Last evaluated: 2015-10-02. Review status: criteria provided, single submitter. Criteria: CIMBA Mutation Classification guidelines May 2016. Collection method: clinical testing. Allele origin: germline. Not counted in ClinVar's aggregate classification.